The following is an entry in ClinVar:

NM_001270.4(CHD1):c.2499A>C (p.Arg833Ser)

Gene: CHD1 (chromodomain helicase DNA binding protein 1; minus strand). Cytogenetic location: 5q15.
Variant type: single nucleotide variant.
Coding change: c.2499A>C on transcript NM_001270.4 (MANE Select); coding-DNA position 2499, A replaced by C.
Protein change: p.Arg833Ser; replaces arginine 833 with serine.
Molecular consequence: missense variant. On other transcripts: non-coding transcript variant (2).
Genome position (GRCh38, 1-based): chr5:98,885,647, T>G on the plus strand (A>C on the coding strand, the complement: CHD1 is on the minus strand). VCF-style: chr5-98885647-T-G. GRCh37 (hg19) VCF-style: chr5-98221351-T-G.
Other names: c.2499A>C, p.Arg833Ser (NM_001364113.3, NM_001376194.2); short protein forms R833S.
Identifiers: ClinVar variation 2632978 (VCV002632978.1), dbSNP rs2479579923, ClinGen allele CA360513451.

ClinVar aggregate classification (germline): Uncertain significance (1 of 4 stars; one submission).

Conditions:
CHD1-related disorder. Also called: CHD1-related condition.

Submission:

PreventionGenetics, part of Exact Sciences
Classification: Uncertain significance for CHD1-related condition. Last evaluated: 2023-04-21. Review status: criteria provided, single submitter. Criteria: ACMG Guidelines, 2015. Collection method: clinical testing. Allele origin: germline.
Comment: The CHD1 c.2499A>C variant is predicted to result in the amino acid substitution p.Arg833Ser. To our knowledge, this variant has not been reported in the literature or in a large population database, indicating this variant is rare. At this time, the clinical significance of this variant is uncertain due to the absence of conclusive functional and genetic evidence.